The following is an entry in ClinVar:

ClinVar aggregate classification (germline): Uncertain significance (1 of 4 stars; one submission).

Conditions:
Brachyolmia-amelogenesis imperfecta syndrome. Also called: PLATYSPONDYLY WITH AMELOGENESIS IMPERFECTA; Tooth agenesis, selective, 6; Dental anomalies and short stature. Identifiers: Orphanet 2899, MedGen C1832594, MONDO:0011018, OMIM 601216. Disease mechanism: loss of function.

Submission:

Labcorp Genetics (formerly Invitae), Labcorp
Classification: Uncertain significance for Brachyolmia-amelogenesis imperfecta syndrome. Last evaluated: 2025-12-24. Review status: criteria provided, single submitter. Criteria: Invitae Variant Classification Sherloc (09022015). Collection method: clinical testing. Allele origin: germline.
Comment: This sequence change replaces threonine, which is neutral and polar, with isoleucine, which is neutral and non-polar, at codon 465 of the LTBP3 protein (p.Thr465Ile). This variant is not present in population databases (gnomAD no frequency). This variant has not been reported in the literature in individuals affected with LTBP3-related conditions. An algorithm developed to predict the effect of missense changes on protein structure and function (PolyPhen-2) suggests that this variant is likely to be disruptive. In summary, the available evidence is currently insufficient to determine the role of this variant in disease. Therefore, it has been classified as a Variant of Uncertain Significance.

NM_001130144.3(LTBP3):c.1394C>T (p.Thr465Ile)

Gene: LTBP3 (latent transforming growth factor beta binding protein 3; minus strand). Cytogenetic location: 11q13.1.
Variant type: single nucleotide variant.
Coding change: c.1394C>T on transcript NM_001130144.3 (MANE Select); coding-DNA position 1394, C replaced by T.
Protein change: p.Thr465Ile; replaces threonine 465 with isoleucine.
Molecular consequence: missense variant.
Genome position (GRCh38, 1-based): chr11:65,552,109, G>A on the plus strand (C>T on the coding strand, the complement: LTBP3 is on the minus strand). VCF-style: chr11-65552109-G-A. GRCh37 (hg19) VCF-style: chr11-65319580-G-A.
Other names: c.1043C>T, p.Thr348Ile (NM_001164266.1); c.1394C>T, p.Thr465Ile (NM_021070.4); short protein forms T348I, T465I.
Identifiers: ClinVar variation 4805266 (VCV004805266.1).